The following is an entry in ClinVar:

ClinVar aggregate classification (germline): Likely pathogenic (1 of 4 stars; one submission).

Conditions:
Galactosemia. Also called: Galactose intolerance. Identifiers: Orphanet 352, MedGen C0016952, MONDO:0018116, HP:0004919. Disease mechanism: loss of function.

Submission:

Natera, Inc.
Classification: Likely pathogenic for Galactosemia. Last evaluated: 2025-12-18. Review status: criteria provided, single submitter. Criteria: Natera Variant Classification Schema (03/2026). Collection method: clinical testing. Allele origin: germline.
Comment: The c.904+2T>A variant in GALT is a canonical splice donor site variant predicted to affect pre-mRNA splicing, which may result in an abnormal transcript and altered protein product. This variant is expected to result in nonsense mediated decay, truncation, or a dysfunctional protein product. This variant is rare in the general population with a frequency below the threshold expected for the associated phenotype(s). Given the available evidence, this variant is classified as Likely Pathogenic.

NM_000155.4(GALT):c.904+2T>A

Gene: GALT (galactose-1-phosphate uridylyltransferase; plus strand). Cytogenetic location: 9p13.3.
Variant type: single nucleotide variant.
Coding change: c.904+2T>A on transcript NM_000155.4 (MANE Select); the canonical splice donor site of the intron after coding-DNA position 904, T replaced by A.
Molecular consequence: splice donor variant.
Genome position (GRCh38, 1-based): chr9:34,649,083, T>A. VCF-style: chr9-34649083-T-A. GRCh37 (hg19) VCF-style: chr9-34649080-T-A.
Other names: c.577+2T>A (NM_001258332.2).
Identifiers: ClinVar variation 4817647 (VCV004817647.1).